The following is an entry in ClinVar:

ClinVar aggregate classification (germline): Benign/Likely benign. Review status: criteria provided, multiple submitters, no conflicts (2 of 4 stars). 6 submissions from 6 submitters: Benign (1); Likely benign (3). 2 of the submissions do not count toward it. Last evaluated 2024-10-03.

Conditions:
Niemann-Pick disease, type C1. Also called: NEUROVISCERAL STORAGE DISEASE WITH VERTICAL SUPRANUCLEAR OPHTHALMOPLEGIA; NIEMANN-PICK DISEASE WITH CHOLESTEROL ESTERIFICATION BLOCK; NIEMANN-PICK DISEASE WITHOUT SPHINGOMYELINASE DEFICIENCY; NIEMANN-PICK DISEASE, CHRONIC NEURONOPATHIC FORM; NIEMANN-PICK DISEASE, VARIANT TYPE C1. Identifiers: Orphanet 646, MedGen C3179455, MONDO:0009757, OMIM 257220.

Allele frequency attached by ClinVar (database versions not stated): gnomAD exomes 0.00021 and 0.00065; ExAC 0.00080; gnomAD 0.00226 and 0.00243; TOPMed 0.00252; 1000 Genomes Project 0.00339; ESP Exome Variant Server 0.00354; 1000 Genomes Project 30x 0.00406.
gnomAD v4.1: 652 of 1,614,126 alleles (0.04%); highest among the groups gnomAD compares: African/African-American, 0.79%; no homozygotes.

Submissions (6):

Blueprint Genetics
Classification: Likely benign. Last evaluated: 2024-10-03. Review status: criteria provided, single submitter. Criteria: ACMG Guidelines, 2015. Collection method: clinical testing. Allele origin: germline.

GeneDx
Classification: Likely benign. Last evaluated: 2020-05-09. Review status: criteria provided, single submitter. Criteria: GeneDx Variant Classification Process June 2021. Collection method: clinical testing. Allele origin: germline. Affected: yes.
Comment: See Variant Classification Assertion Criteria.

Illumina Laboratory Services, Illumina
Classification: Likely benign for Niemann-Pick disease type C1. Last evaluated: 2018-01-13. Review status: criteria provided, single submitter. Criteria: ICSL Variant Classification Criteria 13 December 2019. Collection method: clinical testing. Allele origin: germline.
Comment: This variant was observed in the ICSL laboratory as part of a predisposition screen in an ostensibly healthy population. It had not been previously curated by ICSL or reported in the Human Gene Mutation Database (HGMD: prior to June 1st, 2018), and was therefore a candidate for classification through an automated scoring system. Utilizing variant allele frequency, disease prevalence and penetrance estimates, and inheritance mode, an automated score was calculated to assess if this variant is too frequent to cause the disease. Based on the score and internal cut-off values, a variant classified as likely benign is not then subjected to further curation. The score for this variant resulted in a classification of likely benign for this disease.

Eurofins Ntd Llc (ga)
Classification: Benign. Last evaluated: 2017-05-31. Review status: criteria provided, single submitter. Criteria: EGL Classification Definitions 2015. Collection method: clinical testing. Allele origin: germline. Observed: 1 variant allele, 1 heterozygote.

Clinical Genetics, Academic Medical Center
Classification: Benign. Review status: no assertion criteria provided. Collection method: clinical testing. Allele origin: germline. Affected: yes. Study: VKGL Data-share Consensus. Not counted in ClinVar's aggregate classification.

Diagnostic Laboratory, Department of Genetics, University Medical Center Groningen
Classification: Likely benign. Review status: no assertion criteria provided. Collection method: clinical testing. Allele origin: germline. Affected: yes. Study: VKGL Data-share Consensus. Not counted in ClinVar's aggregate classification.

NM_006432.5(NPC2):c.*9T>C

Gene: NPC2 (NPC intracellular cholesterol transporter 2; minus strand). Cytogenetic location: 14q24.3.
Variant type: single nucleotide variant.
Coding change: c.*9T>C on transcript NM_006432.5 (MANE Select); 9 bases downstream of the stop codon, T replaced by C.
Molecular consequence: 3 prime UTR variant.
Genome position (GRCh38, 1-based): chr14:74,480,265, A>G on the plus strand (T>C on the coding strand, the complement: NPC2 is on the minus strand). VCF-style: chr14-74480265-A-G. GRCh37 (hg19) VCF-style: chr14-74946968-A-G.
Other names: c.*353T>C (NM_001363688.1); c.*9T>C (NM_001375440.1).
Identifiers: ClinVar variation 502347 (VCV000502347.14), dbSNP rs80216539, ClinGen allele CA7268079.
Genomic context (GRCh38, chr14:74,480,265, plus strand): 5'-CAGAGCTGGAGGTGCTGTCAAGAGTCTCAGCAGACTCATTGGCCAGATGCACCGAACTCA[A>G]TGAGGCACTTAGAGATGAGAAACCTGTGGATGTAATGTCCCAGCTCAGTGGAAGTGGTTT-3'